The following is an entry in ClinVar:

ClinVar aggregate classification (germline): Uncertain significance (1 of 4 stars; one submission).

Conditions:
Holoprosencephaly 5 (HPE5). Identifiers: Orphanet 2162, MedGen C1864827, MONDO:0012322, OMIM 609637.

Allele frequency attached by ClinVar (database versions not stated): gnomAD 0.00001.
gnomAD v4.1: 1 of 1,614,034 alleles (0.000062%); highest among the groups gnomAD compares: Non-Finnish European, 0.000085%; no homozygotes.

Submission:

Labcorp Genetics (formerly Invitae), Labcorp
Classification: Uncertain significance for Holoprosencephaly 5. Last evaluated: 2023-09-15. Review status: criteria provided, single submitter. Criteria: Invitae Variant Classification Sherloc (09022015). Collection method: clinical testing. Allele origin: germline.
Comment: This sequence change replaces methionine, which is neutral and non-polar, with threonine, which is neutral and polar, at codon 384 of the ZIC2 protein (p.Met384Thr). This variant is present in population databases (no rsID available, gnomAD no frequency). This variant has not been reported in the literature in individuals affected with ZIC2-related conditions. Advanced modeling of protein sequence and biophysical properties (such as structural, functional, and spatial information, amino acid conservation, physicochemical variation, residue mobility, and thermodynamic stability) performed at Invitae indicates that this missense variant is expected to disrupt ZIC2 protein function. In summary, the available evidence is currently insufficient to determine the role of this variant in disease. Therefore, it has been classified as a Variant of Uncertain Significance.

NM_007129.5(ZIC2):c.1151T>C (p.Met384Thr)

Gene: ZIC2 (Zic family zinc finger 2; plus strand). Cytogenetic location: 13q32.3.
Variant type: single nucleotide variant.
Coding change: c.1151T>C on transcript NM_007129.5 (MANE Select); coding-DNA position 1151, T replaced by C.
Protein change: p.Met384Thr; replaces methionine 384 with threonine.
Molecular consequence: missense variant.
Genome position (GRCh38, 1-based): chr13:99,985,021, T>C. VCF-style: chr13-99985021-T-C. GRCh37 (hg19) VCF-style: chr13-100637275-T-C.
Other names: short protein forms M384T.
Identifiers: ClinVar variation 2756215 (VCV002756215.3), dbSNP rs1255272249, ClinGen allele CA388638940.